The following is an entry in ClinVar:

ClinVar aggregate classification (germline): Pathogenic/Likely pathogenic. Review status: criteria provided, multiple submitters, no conflicts (2 of 4 stars). 7 submissions from 7 submitters: Pathogenic (2); Likely pathogenic (5). Last evaluated 2025-11-20.

Conditions:
Hereditary cancer-predisposing syndrome. Also called: Hereditary neoplastic syndrome; Tumor predisposition; Neoplastic Syndromes, Hereditary; Hereditary Cancer Syndrome. Identifiers: Orphanet 140162, MedGen C0027672, MeSH D009386, MONDO:0015356.
Breast-ovarian cancer, familial, susceptibility to, 4. Identifiers: Orphanet 145, MedGen C3280345, MONDO:0013669, OMIM 614291.

Submissions (7):

Ambry Genetics
Classification: Pathogenic for Hereditary cancer-predisposing syndrome. Last evaluated: 2025-11-20. Review status: criteria provided, single submitter. Criteria: Ambry Variant Classification Scheme 2023. Collection method: clinical testing. Allele origin: germline.
Comment: The c.772_778delGGGAGGC pathogenic mutation, located in coding exon 9 of the RAD51D gene, results from a deletion of 7 nucleotides at nucleotide positions 772 to 778, causing a translational frameshift with a predicted alternate stop codon (p.G258Sfs*50). This variant has been reported in an individual with high grade ovarian carcinoma (Kondrashova O et al. Cancer Discov 2017 09;7(9):984-998). This variant is considered to be rare based on population cohorts in the Genome Aggregation Database (gnomAD). This alteration occurs at the 3' terminus of theRAD51D, is not expected to trigger nonsense-mediated mRNA decay, and impacts the last 71 amino acids of the protein. However, premature stop codons are typically deleterious in nature and the impacted region is critical for protein function (Ambry internal data). Based on the supporting evidence, this alteration is interpreted as a disease-causing mutation.

Labcorp Genetics (formerly Invitae), Labcorp
Classification: Likely pathogenic for Breast-ovarian cancer, familial, susceptibility to, 4. Last evaluated: 2025-11-17. Review status: criteria provided, single submitter. Criteria: Invitae Variant Classification Sherloc (09022015). Collection method: clinical testing. Allele origin: germline.
Comment: This sequence change creates a premature translational stop signal (p.Gly258Serfs*50) in the RAD51D gene. While this is not anticipated to result in nonsense mediated decay, it is expected to disrupt the last 71 amino acid(s) of the RAD51D protein. This variant is not present in population databases (gnomAD no frequency). This premature translational stop signal has been observed in individual(s) with ovarian tumor (PMID: 30322717). ClinVar contains an entry for this variant (Variation ID: 421303). This variant disrupts the ATPase domain and RAD51C interaction domain of the RAD51D protein, which are necessary for the DNA repair activity (PMID: 14704354, 19327148, 21111057, 10749867). While functional studies have not been performed to directly test the effect of this variant on RAD51D protein function, this suggests that disruption of this region of the protein is causative of disease. In summary, the currently available evidence indicates that the variant is pathogenic, but additional data are needed to prove that conclusively. Therefore, this variant has been classified as Likely Pathogenic.

Fulgent Genetics
Classification: Likely pathogenic for Breast-ovarian cancer, familial, susceptibility to, 4. Last evaluated: 2024-04-15. Review status: criteria provided, single submitter. Criteria: ACMG Guidelines, 2015. Collection method: clinical testing. Allele origin: germline.

Myriad Genetics, Inc.
Classification: Likely pathogenic for Breast-ovarian cancer, familial, susceptibility to, 4. Last evaluated: 2023-11-30. Review status: criteria provided, single submitter. Criteria: Myriad Autosomal Dominant, Autosomal Recessive and X-Linked Classification Criteria (2023). Collection method: clinical testing. Allele origin: unknown.
Comment: This variant is considered likely pathogenic. This variant creates a frameshift predicted to result in premature protein truncation.

Baylor Genetics
Classification: Pathogenic for Breast-ovarian cancer, familial, susceptibility to, 4. Last evaluated: 2022-12-18. Review status: criteria provided, single submitter. Criteria: ACMG Guidelines, 2015. Collection method: clinical testing. Allele origin: unknown.

Color Diagnostics, LLC DBA Color Health
Classification: Likely pathogenic for Hereditary cancer-predisposing syndrome. Last evaluated: 2022-08-15. Review status: criteria provided, single submitter. Criteria: ACMG Guidelines, 2015. Collection method: clinical testing. Allele origin: germline.
Comment: This variant deletes 7 nucleotides in exon 9 of the RAD51D gene, creating a frameshift and premature translation stop signal in the last exon. The mutant transcript is expected to escape nonsense-mediated decay and be expressed as a truncated protein. This variant is expected to disrupt the amino acid residues Gly258 through Thr328 of the RAD51D protein that encode the C-terminus of the ATPase domain (PMID: 14704354, 19327148, 21111057) and RAD51C interaction domain (PMID: 10749867, 14704354, 19327148). Although functional studies have not been reported for this variant, this variant is likely to disrupt RAD51D function. This variant has been reported in a few individuals affected with ovarian cancer (PMID: 30322717; Color internal data). This variant has not been identified in the general population by the Genome Aggregation Database (gnomAD). Loss of RAD51D function is a known mechanism of disease. Based on the available evidence, this variant is classified as Likely Pathogenic.

GeneDx
Classification: Likely pathogenic. Last evaluated: 2021-10-20. Review status: criteria provided, single submitter. Criteria: GeneDx Variant Classification Process June 2021. Collection method: clinical testing. Allele origin: germline. Affected: yes.
Comment: Frameshift variant predicted to result in protein truncation as the last 71 amino acids are replaced with 49 different amino acids; Observed in at least one individual with ovarian cancer (Carter 2018); Published functional studies demonstrate a damaging effect: sensitivity to platinum-based chemotherapy and PARP inhibitors (Kondrashova 2017); Not observed at significant frequency in large population cohorts (Lek 2016); This variant is associated with the following publications: (PMID: 30322717, 14704354, 19327148, 21111057, 28588062)

Literature cited by the submitters: PubMed 30322717 (cited by Labcorp Genetics (formerly Invitae), Labcorp and Color Diagnostics, LLC DBA Color Health); PubMed 14704354 (cited by Labcorp Genetics (formerly Invitae), Labcorp and Color Diagnostics, LLC DBA Color Health); PubMed 19327148 (cited by Labcorp Genetics (formerly Invitae), Labcorp and Color Diagnostics, LLC DBA Color Health); PubMed 21111057 (cited by Labcorp Genetics (formerly Invitae), Labcorp and Color Diagnostics, LLC DBA Color Health); PubMed 10749867 (cited by Labcorp Genetics (formerly Invitae), Labcorp and Color Diagnostics, LLC DBA Color Health).

NM_002878.4(RAD51D):c.772_778del (p.Gly258fs)

Genes: RAD51D (RAD51 paralog D; minus strand), RAD51L3-RFFL (RAD51L3-RFFL readthrough; minus strand). Cytogenetic location: 17q12.
Variant type: Deletion.
Coding change: c.772_778del on transcript NM_002878.4 (MANE Select); coding-DNA positions 772 to 778, 7 bases deleted (GGGAGGC; older notation c.772_778delGGGAGGC).
Protein change: p.Gly258fs; shifts the reading frame from glycine 258.
Molecular consequence: frameshift variant. On other transcripts: non-coding transcript variant (3).
Genome position (GRCh38, 1-based): chr17:35,101,326-35,101,332, GCCTCCC deleted on the plus strand (GGGAGGC on the coding strand, the reverse complement: RAD51D is on the minus strand); deleting any 7 consecutive bases within chr17:35,101,326-35,101,334 gives the same sequence; the c. name uses the placement nearest the transcript's 3' end. VCF-style (leftmost placement, unchanged base first): chr17-35101325-AGCCTCCC-A. GRCh37 (hg19) VCF-style: chr17-33428344-AGCCTCCC-A.
Other names: c.772_778delGGGAGGC (NM_002878.3); c.832_838del, p.Gly278fs (NM_001142571.2); c.436_442del, p.Gly146fs (NM_133629.3); short protein forms G146fs, G278fs, G258fs.
Identifiers: ClinVar variation 421303 (VCV000421303.22), dbSNP rs1064795045, ClinGen allele CA16620380.